The following is an entry in ClinVar:

NM_005445.4(SMC3):c.3078T>G (p.Tyr1026Ter)

Gene: SMC3 (structural maintenance of chromosomes 3; plus strand). Cytogenetic location: 10q25.2.
Variant type: single nucleotide variant.
Coding change: c.3078T>G on transcript NM_005445.4 (MANE Select); coding-DNA position 3078, T replaced by G.
Protein change: p.Tyr1026Ter; replaces tyrosine 1026 with a stop codon.
Molecular consequence: nonsense.
Genome position (GRCh38, 1-based): chr10:110,602,151, T>G. VCF-style: chr10-110602151-T-G. GRCh37 (hg19) VCF-style: chr10-112361909-T-G.
Other names: short protein forms Y1026*.
Identifiers: ClinVar variation 5029986 (VCV005029986.1).

ClinVar aggregate classification (germline): Pathogenic (1 of 4 stars; one submission).

Conditions:
Inborn genetic diseases. Identifiers: MedGen C0950123, MeSH D030342.

Submission:

Ambry Genetics
Classification: Pathogenic for Inborn genetic diseases. Last evaluated: 2026-07-28. Review status: criteria provided, single submitter. Criteria: Ambry Variant Classification Scheme 2023. Collection method: clinical testing. Allele origin: germline.
Comment: The c.3078T>G (p.Y1026*) alteration, located in exon 25 (coding exon 25) of the SMC3 gene, consists of a T to G substitution at nucleotide position 3078. This changes the amino acid from a tyrosine (Y) to a stop codon at amino acid position 1026. This variant is expected to result in loss of function by premature protein truncation or nonsense-mediated mRNA decay. This variant was not reported in population-based cohorts in the Genome Aggregation Database (gnomAD). Based on the available evidence, this alteration is classified as pathogenic.